The following is an entry in ClinVar:

ClinVar aggregate classification (germline): Conflicting classifications of pathogenicity. Review status: criteria provided, conflicting classifications (1 of 4 stars). 2 submissions from 2 submitters: Uncertain significance (1); Benign (1). Last evaluated 2026-01-30.

Submissions (2):

Women's Health and Genetics/Laboratory Corporation of America, LabCorp
Classification: Benign. Last evaluated: 2026-01-30. Review status: criteria provided, single submitter. Criteria: LabCorp Variant Classification Summary - May 2015. Collection method: clinical testing. Allele origin: germline.
Comment: Variant summary: RNU7-1 n.54_55insT alters a nucleotide in the non-coding RNA. The variant allele was found at a frequency of 0.00035 in 953470 control chromosomes, predominantly at a frequency of 0.002 within the South Asian subpopulation in the gnomAD database, including 4 homozygotes. The observed variant frequency within South Asian control individuals in the gnomAD database exceeds the estimated maximal expected allele frequency for disease-causing variants in RNU7-1. n.54_55insT has been observed in the triply heterozygous state (cis with a rare variant) in at least 1 individual(s) affected with clinical features of Aicardi-Goutieres syndrome 9 (example, Uggenti_2020), without strong evidence for causality. These report(s) do not provide unequivocal conclusions about association of the variant with Aicardi-Goutieres syndrome 9. To our knowledge, no experimental evidence demonstrating an impact on protein function has been reported. The following publications have been ascertained in the context of this evaluation (PMID: 33230297, 35320431). ClinVar contains an entry for this variant (Variation ID: 3393548). Based on the evidence outlined above, the variant was classified as benign.

GeneDx
Classification: Uncertain significance. Last evaluated: 2022-12-30. Review status: criteria provided, single submitter. Criteria: GeneDx Variant Classification Process June 2021. Collection method: clinical testing. Allele origin: germline. Affected: yes.
Comment: In silico analysis suggests this variant may impact gene splicing. In the absence of RNA/functional studies, the actual effect of this sequence change is unknown.; Located in a regulatory region; in the absence of functional studies, the actual effect of this sequence change is unknown; This variant is associated with the following publications: (PMID: 33230297)

Literature cited by the submitters: PubMed 33230297 (cited by Women's Health and Genetics/Laboratory Corporation of America, LabCorp); PubMed 35320431 (cited by Women's Health and Genetics/Laboratory Corporation of America, LabCorp).

NR_023317.1(RNU7-1):n.54_55insT

Genes: C12orf57 (chromosome 12 open reading frame 57; plus strand), RNU7-1 (RNA, U7 small nuclear 1; plus strand). Cytogenetic location: 12p13.31.
Variant type: Insertion.
Molecular consequence: non-coding transcript variant (on NR_023317.1). On other transcripts: intron variant (2).
Genome position: GRCh38 VCF-style: chr12-6943869-G-GT. GRCh37 (hg19) VCF-style: chr12-7053032-G-GT.
Other names: c.13+207_13+208insT (NM_001301836.2); c.-16+207_-16+208insT (NM_001301834.1).
Identifiers: ClinVar variation 3393548 (VCV003393548.2).
Genomic context (GRCh38, chr12:6,943,869, plus strand): 5'-TACGCAGCAGTGTTACAGCTCTTTTAGAATTTGTCTAGTAGGCTTTCTGGCTTTTTACCG[G>GT]AAAGCCCCTCTTATGATGTTTGTTGCCAATGATAGATTGTTTTCACTGTGCAAAAATTAT-3'